The following is an entry in ClinVar:

NM_001363118.2(SLC52A2):c.951C>T (p.Gly317=)

Gene: SLC52A2 (solute carrier family 52 member 2; plus strand). Cytogenetic location: 8q24.3.
Variant type: single nucleotide variant.
Coding change: c.951C>T on transcript NM_001363118.2 (MANE Select); coding-DNA position 951, C replaced by T.
Protein change: p.Gly317=; no amino-acid change (glycine 317 retained).
Molecular consequence: synonymous variant. On other transcripts: non-coding transcript variant (1).
Genome position (GRCh38, 1-based): chr8:144,360,443, C>T. VCF-style: chr8-144360443-C-T. GRCh37 (hg19) VCF-style: chr8-145584103-C-T.
Other names: c.951C>T, p.Gly317= (NM_001253815.2, NM_001253816.2, NM_001363120.2 and 2 more transcripts); c.459C>T, p.Gly153= (NM_001363122.2).
Identifiers: ClinVar variation 540442 (VCV000540442.14), dbSNP rs543461928, ClinGen allele CA4938319.

ClinVar aggregate classification (germline): Likely benign. Review status: criteria provided, multiple submitters, no conflicts (2 of 4 stars). 3 submissions from 3 submitters: Likely benign (3). Last evaluated 2026-09-01.

Conditions:
Brown-Vialetto-van Laere syndrome 2. Also called: Riboflavin transporter deficiency type 2; SPINOCEREBELLAR ATAXIA WITH BLINDNESS AND DEAFNESS 2. Identifiers: Orphanet 572543, Orphanet 97229, MedGen C3553538, MONDO:0013867, OMIM 614707.
Inborn genetic diseases. Identifiers: MedGen C0950123, MeSH D030342.

Allele frequency attached by ClinVar (database versions not stated): 1000 Genomes Project 30x 0.00062; gnomAD exomes 0.00002 and 0.00004; 1000 Genomes Project 0.00040; TOPMed below 0.00001; gnomAD 0.00001; ExAC 0.00002.
gnomAD v4.1: 56 of 1,605,454 alleles (0.0035%); highest among the groups gnomAD compares: Non-Finnish European, 0.0046%; no homozygotes.

Submissions (3):

CeGaT Center for Human Genetics Tuebingen
Classification: Likely benign. Last evaluated: 2026-09-01. Review status: criteria provided, single submitter. Criteria: CeGaT Center For Human Genetics Tuebingen Variant Classification Criteria Version 2. Collection method: clinical testing. Allele origin: germline. Affected: yes. Observed: 1 variant allele.
Comment: SLC52A2: BP4, BP7

Labcorp Genetics (formerly Invitae), Labcorp
Classification: Likely benign for Brown-Vialetto-van Laere syndrome 2. Last evaluated: 2024-05-14. Review status: criteria provided, single submitter. Criteria: Invitae Variant Classification Sherloc (09022015). Collection method: clinical testing. Allele origin: germline.

Ambry Genetics
Classification: Likely benign for Inborn genetic diseases. Last evaluated: 2019-07-11. Review status: criteria provided, single submitter. Criteria: Ambry Variant Classification Scheme 2023. Collection method: clinical testing. Allele origin: germline.